The following is an entry in ClinVar:

ClinVar aggregate classification (germline): Pathogenic (1 of 4 stars; one submission).

Conditions:
Mucopolysaccharidosis, MPS-IV-B (MPS4B). Also called: Mucopolysaccharidosis type 4B; Mucopolysaccharidosis type IVB (Morquio); MPS IVB; MORQUIO SYNDROME B; Mucopolysaccharidosis type IV B; Mucopolysaccharidosis Type IVB. Identifiers: Orphanet 309310, Orphanet 582, MedGen C0086652, MONDO:0009660, OMIM 253010.
GM1 gangliosidosis. Identifiers: Orphanet 354, MedGen C0085131, MONDO:0018149.

Submission:

Labcorp Genetics (formerly Invitae), Labcorp
Classification: Pathogenic for Mucopolysaccharidosis, MPS-IV-B; GM1 gangliosidosis. Last evaluated: 2024-02-16. Review status: criteria provided, single submitter. Criteria: Invitae Variant Classification Sherloc (09022015). Collection method: clinical testing. Allele origin: germline.
Comment: This sequence change creates a premature translational stop signal (p.Asp448Trpfs*14) in the GLB1 gene. It is expected to result in an absent or disrupted protein product. Loss-of-function variants in GLB1 are known to be pathogenic (PMID: 18524657). This variant is not present in population databases (gnomAD no frequency). This variant has not been reported in the literature in individuals affected with GLB1-related conditions. For these reasons, this variant has been classified as Pathogenic.

Literature cited by the submitters: PubMed 18524657.

NM_000404.4(GLB1):c.1340_1341dup (p.Asp448fs)

Gene: GLB1 (galactosidase beta 1; minus strand). Cytogenetic location: 3p22.3.
Variant type: Microsatellite.
Coding change: c.1340_1341dup on transcript NM_000404.4 (MANE Select); coding-DNA positions 1340 to 1341, 2 bases duplicated (TG; older notation c.1340_1341dupTG).
Protein change: p.Asp448fs; shifts the reading frame from aspartic acid 448.
Molecular consequence: frameshift variant.
Genome position (GRCh38, 1-based): chr3:33,018,454-33,018,455, CA duplicated on the plus strand (TG on the coding strand, the reverse complement: GLB1 is on the minus strand); duplicating any 2 consecutive bases within chr3:33,018,454-33,018,457 gives the same sequence; the c. name uses the placement nearest the transcript's 3' end. VCF-style (leftmost placement, unchanged base first): chr3-33018453-C-CCA. GRCh37 (hg19) VCF-style: chr3-33059945-C-CCA.
Other names: c.1250_1251dup, p.Asp418fs (NM_001079811.3); c.947_948dup, p.Asp317fs (NM_001135602.3); c.1484_1485dup, p.Asp496fs (NM_001317040.2); c.1340_1341dup, p.Asp448fs (NM_001393580.1); short protein forms D418fs, D317fs, D448fs, D496fs.
Identifiers: ClinVar variation 2938645 (VCV002938645.3), dbSNP rs2471261045, ClinGen allele CA2740094326.